The following is an entry in ClinVar:

ClinVar aggregate classification (germline): Likely benign (1 of 4 stars; one submission).

Submission:

CeGaT Center for Human Genetics Tuebingen
Classification: Likely benign. Last evaluated: 2026-04-01. Review status: criteria provided, single submitter. Criteria: CeGaT Center For Human Genetics Tuebingen Variant Classification Criteria Version 2. Collection method: clinical testing. Allele origin: germline. Affected: yes. Observed: 1 variant allele.
Comment: GJA8: BP4, BP7

NM_005267.5(GJA8):c.651A>G (p.Leu217=)

Gene: GJA8 (gap junction protein alpha 8; plus strand). Cytogenetic location: 1q21.2.
Variant type: single nucleotide variant.
Coding change: c.651A>G on transcript NM_005267.5 (MANE Select); coding-DNA position 651, A replaced by G.
Protein change: p.Leu217=; no amino-acid change (leucine 217 retained).
Molecular consequence: synonymous variant.
Genome position (GRCh38, 1-based): chr1:147,908,606, A>G. VCF-style: chr1-147908606-A-G. GRCh37 (hg19) VCF-style: chr1-147380733-A-G.
Identifiers: ClinVar variation 4872871 (VCV004872871.2).